The following is an entry in ClinVar:

ClinVar aggregate classification (germline): Likely benign (0 of 4 stars; one submission).

Conditions:
SIX2-related disorder. Also called: SIX2-related condition.

gnomAD v4.1: 1 of 1,613,948 alleles (0.000062%); no homozygotes.

Submission:

PreventionGenetics, part of Exact Sciences
Classification: Likely benign for SIX2-related condition. Last evaluated: 2024-01-03. Review status: no assertion criteria provided. Collection method: clinical testing. Allele origin: germline.
Comment: This variant is classified as likely benign based on ACMG/AMP sequence variant interpretation guidelines (Richards et al. 2015 PMID: 25741868, with internal and published modifications).

NM_016932.5(SIX2):c.276C>T (p.Tyr92=)

Gene: SIX2 (SIX homeobox 2; minus strand). Cytogenetic location: 2p21.
Variant type: single nucleotide variant.
Coding change: c.276C>T on transcript NM_016932.5 (MANE Select); coding-DNA position 276, C replaced by T.
Protein change: p.Tyr92=; no amino-acid change (tyrosine 92 retained).
Molecular consequence: synonymous variant.
Genome position (GRCh38, 1-based): chr2:45,008,835, G>A on the plus strand (C>T on the coding strand, the complement: SIX2 is on the minus strand). VCF-style: chr2-45008835-G-A. GRCh37 (hg19) VCF-style: chr2-45235974-G-A.
Identifiers: ClinVar variation 3032722 (VCV003032722.2), dbSNP rs2466632092, ClinGen allele CA426127023.